The following is an entry in ClinVar:

NM_001177316.2(SLC34A3):c.1443C>T (p.Thr481=)

Gene: SLC34A3 (solute carrier family 34 member 3; plus strand). Cytogenetic location: 9q34.3.
Variant type: single nucleotide variant.
Coding change: c.1443C>T on transcript NM_001177316.2 (MANE Select); coding-DNA position 1443, C replaced by T.
Protein change: p.Thr481=; no amino-acid change (threonine 481 retained).
Molecular consequence: synonymous variant.
Genome position (GRCh38, 1-based): chr9:137,236,059, C>T. VCF-style: chr9-137236059-C-T. GRCh37 (hg19) VCF-style: chr9-140130511-C-T.
Other names: c.1443C>T (NM_080877.2); c.1443C>T, p.Thr481= (NM_080877.3, NM_001177317.2).
Identifiers: ClinVar variation 1131904 (VCV001131904.10), dbSNP rs138643794, ClinGen allele CA5364948.

ClinVar aggregate classification (germline): Likely benign. Review status: criteria provided, multiple submitters, no conflicts (2 of 4 stars). 2 submissions from 2 submitters: Likely benign (2). Last evaluated 2026-07-23.

Conditions:
SLC34A3-related disorder. Also called: SLC34A3-related condition.

Allele frequency attached by ClinVar (database versions not stated): gnomAD exomes 0.00008; ExAC 0.00009; gnomAD 0.00016 and 0.00018; TOPMed 0.00019; 1000 Genomes Project 30x 0.00047; ESP Exome Variant Server 0.00054; 1000 Genomes Project 0.00060.
gnomAD v4.1: 92 of 1,612,506 alleles (0.0057%); highest among the groups gnomAD compares: African/African-American, 0.073%; no homozygotes.

Submissions (2):

PreventionGenetics, part of Exact Sciences
Classification: Likely benign for SLC34A3-related condition. Last evaluated: 2026-07-23. Review status: criteria provided, single submitter. Criteria: ACMG Guidelines, 2015. Collection method: clinical testing. Allele origin: germline.
Comment: This variant is classified as likely benign based on ACMG/AMP sequence variant interpretation guidelines (Richards et al. 2015 PMID: 25741868, with internal and published modifications).

Labcorp Genetics (formerly Invitae), Labcorp
Classification: Likely benign. Last evaluated: 2024-09-17. Review status: criteria provided, single submitter. Criteria: Invitae Variant Classification Sherloc (09022015). Collection method: clinical testing. Allele origin: germline.